The following is an entry in ClinVar:

ClinVar aggregate classification (germline): Conflicting classifications of pathogenicity. Review status: criteria provided, conflicting classifications (1 of 4 stars). 5 submissions from 5 submitters: Uncertain significance (1); Likely benign (3). 1 of the submissions does not count toward it. Last evaluated 2026-01-14.

Conditions:
Inborn genetic diseases. Identifiers: MedGen C0950123, MeSH D030342.
Brachyolmia-amelogenesis imperfecta syndrome. Also called: Tooth agenesis, selective, 6; Dental anomalies and short stature; PLATYSPONDYLY WITH AMELOGENESIS IMPERFECTA. Identifiers: Orphanet 2899, MedGen C1832594, MONDO:0011018, OMIM 601216. Disease mechanism: loss of function.
LTBP3-related disorder. Also called: LTBP3-related condition.

Allele frequency attached by ClinVar (database versions not stated): TOPMed 0.00002; gnomAD 0.00003; gnomAD exomes 0.00005; ExAC 0.00008.
gnomAD v4.1: 77 of 1,612,762 alleles (0.0048%); highest among the groups gnomAD compares: Middle Eastern, 0.017%; no homozygotes.

Submissions (5):

Labcorp Genetics (formerly Invitae), Labcorp
Classification: Uncertain significance for Brachyolmia-amelogenesis imperfecta syndrome. Last evaluated: 2026-01-14. Review status: criteria provided, single submitter. Criteria: Invitae Variant Classification Sherloc (09022015). Collection method: clinical testing. Allele origin: germline.
Comment: This sequence change affects codon 540 of the LTBP3 mRNA. It is a 'silent' change, meaning that it does not change the encoded amino acid sequence of the LTBP3 protein. It affects a nucleotide within the consensus splice site. This variant is present in population databases (rs200693646, gnomAD 0.009%). This variant has not been reported in the literature in individuals affected with LTBP3-related conditions. ClinVar contains an entry for this variant (Variation ID: 515186). Algorithms developed to predict the effect of sequence changes on RNA splicing suggest that this variant is not likely to affect RNA splicing. In summary, the available evidence is currently insufficient to determine the role of this variant in disease. Therefore, it has been classified as a Variant of Uncertain Significance.

Ambry Genetics
Classification: Likely benign for Inborn genetic diseases. Last evaluated: 2022-07-08. Review status: criteria provided, single submitter. Criteria: Ambry Variant Classification Scheme 2023. Collection method: clinical testing. Allele origin: germline.

GeneDx
Classification: Likely benign. Last evaluated: 2018-01-30. Review status: criteria provided, single submitter. Criteria: GeneDx Variant Classification (06012015). Collection method: clinical testing. Allele origin: germline. Affected: yes.
Comment: This variant is considered likely benign or benign based on one or more of the following criteria: it is a conservative change, it occurs at a poorly conserved position in the protein, it is predicted to be benign by multiple in silico algorithms, and/or has population frequency not consistent with disease.

Breakthrough Genomics
Classification: Likely benign. Review status: criteria provided, single submitter. Criteria: ACMG Guidelines, 2015. Collection method: not provided. Allele origin: germline. Inheritance: Autosomal recessive inheritance. Affected: yes.

PreventionGenetics, part of Exact Sciences
Classification: Likely benign for LTBP3-related condition. Last evaluated: 2024-02-05. Review status: no assertion criteria provided. Collection method: clinical testing. Allele origin: germline. Not counted in ClinVar's aggregate classification.
Comment: This variant is classified as likely benign based on ACMG/AMP sequence variant interpretation guidelines (Richards et al. 2015 PMID: 25741868, with internal and published modifications).

NM_001130144.3(LTBP3):c.1620C>T (p.Pro540=)

Gene: LTBP3 (latent transforming growth factor beta binding protein 3; minus strand). Cytogenetic location: 11q13.1.
Variant type: single nucleotide variant.
Coding change: c.1620C>T on transcript NM_001130144.3 (MANE Select); coding-DNA position 1620, C replaced by T.
Protein change: p.Pro540=; no amino-acid change (proline 540 retained).
Molecular consequence: synonymous variant.
Genome position (GRCh38, 1-based): chr11:65,551,403, G>A on the plus strand (C>T on the coding strand, the complement: LTBP3 is on the minus strand). VCF-style: chr11-65551403-G-A. GRCh37 (hg19) VCF-style: chr11-65318874-G-A.
Other names: c.1269C>T, p.Pro423= (NM_001164266.1); c.1620C>T, p.Pro540= (NM_021070.4).
Identifiers: ClinVar variation 515186 (VCV000515186.9), dbSNP rs200693646, ClinGen allele CA6100917.